The following is an entry in ClinVar:

ClinVar aggregate classification (germline): Uncertain significance (1 of 4 stars; one submission).

Conditions:
Hereditary cancer-predisposing syndrome. Also called: Tumor predisposition; Hereditary neoplastic syndrome; Hereditary Cancer Syndrome; Neoplastic Syndromes, Hereditary. Identifiers: Orphanet 140162, MedGen C0027672, MeSH D009386, MONDO:0015356.

gnomAD v4.1: 4 of 1,613,928 alleles (0.00025%); highest among the groups gnomAD compares: Non-Finnish European, 0.00034%; no homozygotes.

Submission:

Ambry Genetics
Classification: Uncertain significance for Hereditary cancer-predisposing syndrome. Last evaluated: 2025-05-19. Review status: criteria provided, single submitter. Criteria: Ambry Variant Classification Scheme 2023. Collection method: clinical testing. Allele origin: germline.
Comment: The p.D15G variant (also known as c.44A>G), located in coding exon 1 of the TSC1 gene, results from an A to G substitution at nucleotide position 44. The aspartic acid at codon 15 is replaced by glycine, an amino acid with similar properties. This amino acid position is conserved. In addition, the in silico prediction for this alteration is inconclusive. Based on the available evidence, the clinical significance of this variant remains unclear.

NM_000368.5(TSC1):c.44A>G (p.Asp15Gly)

Gene: TSC1 (TSC complex subunit 1; minus strand). Cytogenetic location: 9q34.13.
Variant type: single nucleotide variant.
Coding change: c.44A>G on transcript NM_000368.5 (MANE Select); coding-DNA position 44, A replaced by G.
Protein change: p.Asp15Gly; replaces aspartic acid 15 with glycine.
Molecular consequence: missense variant. On other transcripts: 5 prime UTR variant (16), non-coding transcript variant (5), intron variant (2).
Genome position (GRCh38, 1-based): chr9:132,928,829, T>C on the plus strand (A>G on the coding strand, the complement: TSC1 is on the minus strand). VCF-style: chr9-132928829-T-C. GRCh37 (hg19) VCF-style: chr9-135804216-T-C.
Other names: c.44A>G, p.Asp15Gly (NM_001162426.2, NM_001162427.2, NM_001406592.1 and 21 more transcripts); c.-216A>G (NM_001362177.2, NM_001406617.1, NM_001406619.1 and 3 more transcripts); c.-308A>G (NM_001406614.1); c.-445A>G (NM_001406615.1, NM_001406623.1); c.-412A>G (NM_001406616.1, NM_001406624.1); c.-834A>G (NM_001406626.1, NM_001406627.1, NM_001406628.1); c.-976A>G (NM_001406629.1); c.-1050A>G (NM_001406630.1); and 1 more; short protein forms D15G.
Identifiers: ClinVar variation 3974572 (VCV003974572.1).